The following is an entry in ClinVar:

ClinVar aggregate classification (germline): Likely pathogenic (1 of 4 stars; one submission).

Conditions:
Autosomal recessive polycystic kidney disease (ARPKD). Also called: AR polycystic kidney disease. Identifiers: Orphanet 731, Orphanet 8378, MedGen C0085548, MeSH D017044, MONDO:0009889.

Submission:

Labcorp Genetics (formerly Invitae), Labcorp
Classification: Likely pathogenic for Autosomal recessive polycystic kidney disease. Last evaluated: 2022-07-11. Review status: criteria provided, single submitter. Criteria: Invitae Variant Classification Sherloc (09022015). Collection method: clinical testing. Allele origin: germline.
Comment: This sequence change replaces arginine, which is basic and polar, with isoleucine, which is neutral and non-polar, at codon 2298 of the PKHD1 protein (p.Arg2298Ile). In summary, the currently available evidence indicates that the variant is pathogenic, but additional data are needed to prove that conclusively. Therefore, this variant has been classified as Likely Pathogenic. Algorithms developed to predict the effect of sequence changes on RNA splicing suggest that this variant may disrupt the consensus splice site. Algorithms developed to predict the effect of missense changes on protein structure and function are either unavailable or do not agree on the potential impact of this missense change (SIFT: "Deleterious"; PolyPhen-2: "Possibly Damaging"; Align-GVGD: "Class C0"). ClinVar contains an entry for this variant (Variation ID: 948573). This missense change has been observed in individual(s) with clinical features of polycystic kidney disease (Invitae). In at least one individual the data is consistent with being in trans (on the opposite chromosome) from a pathogenic variant. It has also been observed to segregate with disease in related individuals. This variant is not present in population databases (gnomAD no frequency).

NM_138694.4(PKHD1):c.6893G>T (p.Arg2298Ile)

Gene: PKHD1 (PKHD1 ciliary IPT domain containing fibrocystin/polyductin; minus strand). Cytogenetic location: 6p12.2.
Variant type: single nucleotide variant.
Coding change: c.6893G>T on transcript NM_138694.4 (MANE Select); coding-DNA position 6893, G replaced by T.
Protein change: p.Arg2298Ile; replaces arginine 2298 with isoleucine.
Molecular consequence: missense variant.
Genome position (GRCh38, 1-based): chr6:51,903,700, C>A on the plus strand (G>T on the coding strand, the complement: PKHD1 is on the minus strand). VCF-style: chr6-51903700-C-A. GRCh37 (hg19) VCF-style: chr6-51768498-C-A.
Other names: c.6893G>T, p.Arg2298Ile (NM_170724.3); short protein forms R2298I.
Identifiers: ClinVar variation 948573 (VCV000948573.10), dbSNP rs1781623229, ClinGen allele CA364430028.